The following is an entry in ClinVar:

NM_025144.4(ALPK1):c.1879del (p.Glu627fs)

Gene: ALPK1 (alpha kinase 1; plus strand). Cytogenetic location: 4q25.
Variant type: Deletion.
Coding change: c.1879del on transcript NM_025144.4 (MANE Select); coding-DNA position 1879, one base deleted (G; older notation c.1879delG).
Protein change: p.Glu627fs; shifts the reading frame from glutamic acid 627.
Molecular consequence: frameshift variant.
Genome position (GRCh38, 1-based): chr4:112,431,426, G deleted. VCF-style (leftmost placement, unchanged base first): chr4-112431425-TG-T. GRCh37 (hg19) VCF-style: chr4-113352581-TG-T.
Other names: c.1879del, p.Glu627fs (NM_001102406.2); c.1645del, p.Glu549fs (NM_001253884.2); short protein forms E549fs, E627fs.
Identifiers: ClinVar variation 4754306 (VCV004754306.1).
Genomic context (GRCh38, chr4:112,431,425, plus strand): 5'-AGCCAGAAAAGAGCCTGGCAAAGAACATCTGGTGGACACTCAGTGTTCCACTGCCTTGTC[TG>T]AGGAGCTAGAGAATGACAGGGAAGGCAGAGCTATGCATTCATTGCATTCACAGCTTCATG-3'

ClinVar aggregate classification (germline): Uncertain significance (1 of 4 stars; one submission).

Submission:

Labcorp Genetics (formerly Invitae), Labcorp
Classification: Uncertain significance. Last evaluated: 2025-06-08. Review status: criteria provided, single submitter. Criteria: Invitae Variant Classification Sherloc (09022015). Collection method: clinical testing. Allele origin: germline.
Comment: This sequence change creates a premature translational stop signal (p.Glu627Argfs*3) in the ALPK1 gene. It is expected to result in an absent or disrupted protein product. However, the current clinical and genetic evidence is not sufficient to establish whether loss-of-function variants in ALPK1 cause disease. This variant is present in population databases (rs759425391, gnomAD 0.01%). This variant has not been reported in the literature in individuals affected with ALPK1-related conditions. In summary, the available evidence is currently insufficient to determine the role of this variant in disease. Therefore, it has been classified as a Variant of Uncertain Significance.